The following is an entry in ClinVar:

NM_004484.4(GPC3):c.338-6_338-5dup

Gene: GPC3 (glypican 3; minus strand). Cytogenetic location: Xq26.2.
Variant type: Duplication.
Coding change: c.338-6_338-5dup on transcript NM_004484.4 (MANE Select); 6 bases into the intron before coding-DNA position 338 through 5 bases into the intron before coding-DNA position 338, 2 bases duplicated (TT; older notation c.338-6_338-5dupTT).
Molecular consequence: intron variant.
Genome position (GRCh38, 1-based): chrX:133,754,181-133,754,182, AA duplicated on the plus strand (TT on the coding strand, the reverse complement: GPC3 is on the minus strand); duplicating any 2 consecutive bases within chrX:133,754,181-133,754,196 gives the same sequence; the c. name uses the placement nearest the transcript's 3' end. VCF-style (leftmost placement, unchanged base first): chrX-133754180-T-TAA. GRCh37 (hg19) VCF-style: chrX-132888207-T-TAA.
Other names: c.338-6_338-5dupTT (NM_004484.3); c.176-6_176-5dup (NM_001164619.2); c.290-6_290-5dup (NM_001164618.2); c.338-6_338-5dup (NM_001164617.2).
Identifiers: ClinVar variation 1692814 (VCV001692814.5), dbSNP rs370737647, ClinGen allele CA10520845.

ClinVar aggregate classification (germline): Likely benign. Review status: criteria provided, multiple submitters, no conflicts (2 of 4 stars). 4 submissions from 4 submitters: Likely benign (3). 1 of the submissions does not count toward it. Last evaluated 2024-07-29.

Conditions:
GPC3-related disorder. Also called: GPC3-related condition.
Hereditary cancer-predisposing syndrome. Also called: Hereditary neoplastic syndrome; Hereditary Cancer Syndrome; Tumor predisposition; Neoplastic Syndromes, Hereditary. Identifiers: Orphanet 140162, MedGen C0027672, MeSH D009386, MONDO:0015356.
Simpson-Golabi-Behmel syndrome type 1 (SGBS1). Also called: DYSPLASIA GIGANTISM SYNDROME, X-LINKED; GOLABI-ROSEN SYNDROME; GPC3-Related Simpson-Golabi-Behmel Syndrome Type 1; SIMPSON DYSMORPHIA SYNDROME; BULLDOG SYNDROME. Identifiers: Orphanet 373, MedGen C0796154, MONDO:0020602, OMIM 312870.
Wilms tumor 1 (WT1). Also called: Wilms tumor, somatic. Identifiers: Orphanet 654, MedGen CN033288, MONDO:0008679, OMIM 194070.

Submissions (4):

Blueprint Genetics
Classification: Likely benign. Last evaluated: 2024-07-29. Review status: criteria provided, single submitter. Criteria: ACMG Guidelines, 2015. Collection method: clinical testing. Allele origin: germline.

Fulgent Genetics
Classification: Likely benign for Wilms tumor 1; Simpson-Golabi-Behmel syndrome type 1. Last evaluated: 2021-12-06. Review status: criteria provided, single submitter. Criteria: ACMG Guidelines, 2015. Collection method: clinical testing. Allele origin: unknown.

Sema4
Classification: Likely benign for Hereditary cancer-predisposing syndrome. Last evaluated: 2021-07-21. Review status: criteria provided, single submitter. Criteria: Sema4 Curation Guidelines. Collection method: curation. Allele origin: germline.

PreventionGenetics, part of Exact Sciences
Classification: Benign for GPC3-related condition. Last evaluated: 2019-08-09. Review status: no assertion criteria provided. Collection method: clinical testing. Allele origin: germline. Not counted in ClinVar's aggregate classification.
Comment: This variant is classified as benign based on ACMG/AMP sequence variant interpretation guidelines (Richards et al. 2015 PMID: 25741868, with internal and published modifications).